The following is an entry in ClinVar:

ClinVar aggregate classification (germline): Pathogenic (1 of 4 stars; one submission).

Conditions:
Congenital myasthenic syndrome 5. Identifiers: Orphanet 590, MedGen C1864233, MONDO:0011281, OMIM 603034.

gnomAD v4.1: 1 of 1,614,228 alleles (0.000062%); highest among the groups gnomAD compares: Non-Finnish European, 0.000085%; no homozygotes.

Submission:

Pediatric Neurology, Ankara Etlik City Hospital, Health Sciences University
Classification: Pathogenic for Congenital myasthenic syndrome 5. Last evaluated: 2026-04-14. Review status: criteria provided, single submitter. Criteria: ACMG Guidelines, 2015. Collection method: clinical testing. Allele origin: germline. Inheritance: Autosomal recessive inheritance. Affected: yes. Observed: 1 variant allele, 1 homozygote.
Comment: PVS1 PM2

NM_005677.4(COLQ):c.156C>A (p.Cys52Ter)

Gene: COLQ (collagen like tail subunit of asymmetric acetylcholinesterase; minus strand). Cytogenetic location: 3p25.1.
Variant type: single nucleotide variant.
Coding change: c.156C>A on transcript NM_005677.4 (MANE Select); coding-DNA position 156, C replaced by A.
Protein change: p.Cys52Ter; replaces cysteine 52 with a stop codon.
Molecular consequence: nonsense.
Genome position (GRCh38, 1-based): chr3:15,489,588, G>T on the plus strand (C>A on the coding strand, the complement: COLQ is on the minus strand). VCF-style: chr3-15489588-G-T. GRCh37 (hg19) VCF-style: chr3-15531095-G-T.
Other names: c.126C>A, p.Cys42Ter (NM_080538.2); c.156C>A, p.Cys52Ter (NM_080539.4); short protein forms C42*, C52*.
Identifiers: ClinVar variation 4845281 (VCV004845281.1).